The following is an entry in ClinVar:

ClinVar aggregate classification (germline): Uncertain significance. Review status: criteria provided, multiple submitters, no conflicts (2 of 4 stars). 3 submissions from 3 submitters: Uncertain significance (3). Last evaluated 2024-11-05.

Conditions:
Autosomal dominant childhood-onset proximal spinal muscular atrophy with contractures (SMALED2A). Also called: SPINAL MUSCULAR ATROPHY, LOWER EXTREMITY-PREDOMINANT, 2A, CHILDHOOD ONSET, AUTOSOMAL DOMINANT; Spinal muscular atrophy, lower extremity-predominant, 2A, autosomal dominant. Identifiers: Orphanet 363447, Orphanet 363454, MedGen C4747715, MONDO:0014121, OMIM 615290.
Inborn genetic diseases. Identifiers: MedGen C0950123, MeSH D030342.

gnomAD v4.1: 13 of 1,612,912 alleles (0.00081%); highest among the groups gnomAD compares: Middle Eastern, 0.017%; no homozygotes.

Submissions (3):

Labcorp Genetics (formerly Invitae), Labcorp
Classification: Uncertain significance for Autosomal dominant childhood-onset proximal spinal muscular atrophy with contractures. Last evaluated: 2024-11-05. Review status: criteria provided, single submitter. Criteria: Invitae Variant Classification Sherloc (09022015). Collection method: clinical testing. Allele origin: germline.
Comment: This sequence change replaces glutamic acid, which is acidic and polar, with lysine, which is basic and polar, at codon 800 of the BICD2 protein (p.Glu800Lys). This variant is not present in population databases (gnomAD no frequency). This variant has not been reported in the literature in individuals affected with BICD2-related conditions. ClinVar contains an entry for this variant (Variation ID: 522125). Invitae Evidence Modeling of protein sequence and biophysical properties (such as structural, functional, and spatial information, amino acid conservation, physicochemical variation, residue mobility, and thermodynamic stability) has been performed for this missense variant. However, the output from this modeling did not meet the statistical confidence thresholds required to predict the impact of this variant on BICD2 protein function. In summary, the available evidence is currently insufficient to determine the role of this variant in disease. Therefore, it has been classified as a Variant of Uncertain Significance.

GeneDx
Classification: Uncertain significance. Last evaluated: 2024-08-15. Review status: criteria provided, single submitter. Criteria: GeneDx Variant Classification Process June 2021. Collection method: clinical testing. Allele origin: germline. Affected: yes.
Comment: Not observed at significant frequency in large population cohorts (gnomAD); In silico analysis supports that this missense variant has a deleterious effect on protein structure/function; Has not been previously published as pathogenic or benign to our knowledge

Ambry Genetics
Classification: Uncertain significance for Inborn genetic diseases. Last evaluated: 2017-10-19. Review status: criteria provided, single submitter. Criteria: Ambry exome assertion method (8-5-2015). Collection method: clinical testing. Allele origin: germline. Affected: yes. Observed: 1 variant allele.

NM_001003800.2(BICD2):c.2398G>A (p.Glu800Lys)

Gene: BICD2 (BICD cargo adaptor 2; minus strand). Cytogenetic location: 9q22.31.
Variant type: single nucleotide variant.
Coding change: c.2398G>A on transcript NM_001003800.2 (MANE Select); coding-DNA position 2398, G replaced by A.
Protein change: p.Glu800Lys; replaces glutamic acid 800 with lysine.
Molecular consequence: missense variant.
Genome position (GRCh38, 1-based): chr9:92,715,324, C>T on the plus strand (G>A on the coding strand, the complement: BICD2 is on the minus strand). VCF-style: chr9-92715324-C-T. GRCh37 (hg19) VCF-style: chr9-95477606-C-T.
Other names: c.2398G>A, p.Glu800Lys (NM_015250.4); short protein forms E800K.
Identifiers: ClinVar variation 522125 (VCV000522125.6), dbSNP rs1273239213, ClinGen allele CA374030040.
Genomic context (GRCh38, chr9:92,715,324, plus strand): 5'-CTGGCTTGGTCTTCGGGGCGGCTTTGGCACGGCCACGCCGGGTCTGCTCATGGTCCAGCT[C>T]GAGCAGCTCCAGCCGCTGGGTCAGCGCCAGCTTCTGCTGGATGGCCATGCGCAGCAGCGA-3'
Protein context (NP_001003800.1, residues 790-810): LALTQRLELL[Glu800Lys]LDHEQTRRGR